The following is an entry in ClinVar:

ClinVar aggregate classification (germline): Uncertain significance. Review status: criteria provided, multiple submitters, no conflicts (2 of 4 stars). 2 submissions from 2 submitters: Uncertain significance (2). Last evaluated 2026-06-08.

Conditions:
Duchenne muscular dystrophy (DMD). Also called: MUSCULAR DYSTROPHY, PSEUDOHYPERTROPHIC PROGRESSIVE, DUCHENNE TYPE; Duchenne Muscular Dystrophy (DMD). Identifiers: Orphanet 98896, MedGen C0013264, MONDO:0010679, OMIM 310200.

gnomAD v4.1: 3 of 1,207,447 alleles (0.00025%); highest among the groups gnomAD compares: Admixed American, 0.0044%; no homozygotes.

Submissions (2):

Women's Health and Genetics/Laboratory Corporation of America, LabCorp
Classification: Uncertain significance. Last evaluated: 2026-06-08. Review status: criteria provided, single submitter. Criteria: LabCorp Variant Classification Summary - May 2015. Collection method: clinical testing. Allele origin: germline.
Comment: Variant summary: DMD c.8245A>G (p.Thr2749Ala) results in a non-conservative amino acid change in the encoded protein sequence. Algorithms developed to predict the effect of missense changes on protein structure and function are either unavailable or do not agree on the potential impact of this missense change. The variant allele was found at a frequency of 1.7e-05 in 175280 control chromosomes. The available data on variant occurrences in the general population are insufficient to allow any conclusion about variant significance. To our knowledge, no occurrence of c.8245A>G in individuals affected with DMD-related conditions and no experimental evidence demonstrating its impact on protein function have been reported. ClinVar contains an entry for this variant (Variation ID: 4737175). Based on the evidence outlined above, the variant was classified as uncertain significance.

Labcorp Genetics (formerly Invitae), Labcorp
Classification: Uncertain significance for Duchenne muscular dystrophy. Last evaluated: 2025-03-10. Review status: criteria provided, single submitter. Criteria: Invitae Variant Classification Sherloc (09022015). Collection method: clinical testing. Allele origin: germline.
Comment: This sequence change replaces threonine, which is neutral and polar, with alanine, which is neutral and non-polar, at codon 2749 of the DMD protein (p.Thr2749Ala). This variant is present in population databases (rs149268097, gnomAD 0.02%). This variant has not been reported in the literature in individuals affected with DMD-related conditions. Invitae Evidence Modeling of protein sequence and biophysical properties (such as structural, functional, and spatial information, amino acid conservation, physicochemical variation, residue mobility, and thermodynamic stability) indicates that this missense variant is not expected to disrupt DMD protein function with a negative predictive value of 95%. In summary, the available evidence is currently insufficient to determine the role of this variant in disease. Therefore, it has been classified as a Variant of Uncertain Significance.

NM_004006.3(DMD):c.8245A>G (p.Thr2749Ala)

Gene: DMD (dystrophin; minus strand). Cytogenetic location: Xp21.1.
Variant type: single nucleotide variant.
Coding change: c.8245A>G on transcript NM_004006.3 (MANE Select); coding-DNA position 8245, A replaced by G.
Protein change: p.Thr2749Ala; replaces threonine 2749 with alanine.
Molecular consequence: missense variant.
Genome position (GRCh38, 1-based): chrX:31,507,426, T>C on the plus strand (A>G on the coding strand, the complement: DMD is on the minus strand). VCF-style: chrX-31507426-T-C. GRCh37 (hg19) VCF-style: chrX-31525543-T-C.
Other names: c.8221A>G, p.Thr2741Ala (NM_000109.4); c.8233A>G, p.Thr2745Ala (NM_004009.3); c.7876A>G, p.Thr2626Ala (NM_004010.3); c.4222A>G, p.Thr1408Ala (NM_004011.4); c.4213A>G, p.Thr1405Ala (NM_004012.4); c.865A>G, p.Thr289Ala (NM_004013.3, NM_004020.4, NM_004021.3 and 2 more transcripts); c.58A>G, p.Thr20Ala (NM_004014.3); short protein forms T1408A, T20A, T289A, T1405A, T2749A, T2626A, T2741A, T2745A.
Identifiers: ClinVar variation 4737175 (VCV004737175.2).